The following is an entry in ClinVar:

ClinVar aggregate classification (germline): Uncertain significance. Review status: criteria provided, multiple submitters, no conflicts (2 of 4 stars). 10 submissions from 10 submitters: Uncertain significance (9). 1 of the submissions does not count toward it. Last evaluated 2025-11-25.

Conditions:
Familial ovarian cancer. Identifiers: MedGen C5679802, MONDO:0016248.
Hereditary cancer-predisposing syndrome. Also called: Tumor predisposition; Hereditary Cancer Syndrome; Neoplastic Syndromes, Hereditary; Hereditary neoplastic syndrome. Identifiers: Orphanet 140162, MedGen C0027672, MeSH D009386, MONDO:0015356.
Familial cancer of breast. Also called: BREAST CANCER, FAMILIAL; Hereditary breast cancer; hereditary breast carcinoma. Identifiers: Orphanet 227535, MedGen C0346153, MONDO:0016419, OMIM 114480. Disease mechanism: loss of function.
Fanconi anemia complementation group J. Also called: BRIP1-Related Fanconi Anemia. Identifiers: Orphanet 84, MedGen C1836860, MONDO:0012187, OMIM 609054.

Allele frequency attached by ClinVar (database versions not stated): ExAC 0.00001; gnomAD exomes 0.00001; TOPMed 0.00001.

Submissions (10):

Labcorp Genetics (formerly Invitae), Labcorp
Classification: Uncertain significance for Familial cancer of breast; Fanconi anemia complementation group J. Last evaluated: 2025-11-25. Review status: criteria provided, single submitter. Criteria: Invitae Variant Classification Sherloc (09022015). Collection method: clinical testing. Allele origin: germline.
Comment: This sequence change replaces threonine, which is neutral and polar, with serine, which is neutral and polar, at codon 282 of the BRIP1 protein (p.Thr282Ser). This variant is present in population databases (rs45624635, gnomAD 0.0009%). This missense change has been observed in individual(s) with breast and/or pancreatic cancer (PMID: 17033622, 34034685). ClinVar contains an entry for this variant (Variation ID: 128197). Invitae Evidence Modeling of protein sequence and biophysical properties (such as structural, functional, and spatial information, amino acid conservation, physicochemical variation, residue mobility, and thermodynamic stability) indicates that this missense variant is not expected to disrupt BRIP1 protein function with a negative predictive value of 95%. In summary, the available evidence is currently insufficient to determine the role of this variant in disease. Therefore, it has been classified as a Variant of Uncertain Significance.

Women's Health and Genetics/Laboratory Corporation of America, LabCorp
Classification: Uncertain significance. Last evaluated: 2025-10-08. Review status: criteria provided, single submitter. Criteria: LabCorp Variant Classification Summary - May 2015. Collection method: clinical testing. Allele origin: germline.
Comment: Variant summary: BRIP1 c.845C>G (p.Thr282Ser) results in a conservative amino acid change in the encoded protein sequence. Algorithms developed to predict the effect of missense changes on protein structure and function are either unavailable or do not agree on the potential impact of this missense change. The variant allele was found at a frequency of 8e-06 in 250948 control chromosomes. The available data on variant occurrences in the general population are insufficient to allow any conclusion about variant significance. c.845C>G has been observed in individual affected with breast cancer, colorectal cancer, pancreatic cancer, or NUT carcinoma without strong evidence for causality (e.g. Akcay_2021, Kim_2025, Rapposelli_2021, Seal_2006) . These report(s) do not provide unequivocal conclusions about association of the variant with Hereditary Breast And Ovarian Cancer Syndrome. To our knowledge, no experimental evidence demonstrating an impact on protein function has been reported. The following publications have been ascertained in the context of this evaluation (PMID: 32658311, 40704901, 34034685, 17033622). ClinVar contains an entry for this variant (Variation ID: 128197). Based on the evidence outlined above, the variant was classified as uncertain significance.

Ambry Genetics
Classification: Uncertain significance for Hereditary cancer-predisposing syndrome. Last evaluated: 2025-06-27. Review status: criteria provided, single submitter. Criteria: Ambry Variant Classification Scheme 2023. Collection method: clinical testing. Allele origin: germline.
Comment: The p.T282S variant (also known as c.845C>G), located in coding exon 6 of the BRIP1 gene, results from a C to G substitution at nucleotide position 845. The threonine at codon 282 is replaced by serine, an amino acid with similar properties. This alteration has been identified in individuals diagnosed with breast cancer and/or pancreatic cancer (Seal S et al. Nat Genet, 2006 Nov;38:1239-41; Rapposelli IG et al. BMC Cancer, 2021 May;21:611). Additionally, this alteration was seen in 1/732 breast cancer patients, 1/189 colorectal cancer patients and 0/490 cancer-free elderly controls in a Turkish population (Akcay IM et al. Int J Cancer, 2021 Jan;148:285-295). This variant was also reported in 0/60,466 breast cancer cases and in 1/53,461 controls (Dorling et al. N Engl J Med. 2021 02;384:428-439). This amino acid position is well conserved in available vertebrate species. In addition, this alteration is predicted to be tolerated by in silico analysis. Since supporting evidence is limited at this time, the clinical significance of this alteration remains unclear.

Molecular Pathology, Peter Maccallum Cancer Centre
Classification: Uncertain significance for Familial ovarian cancer. Last evaluated: 2025-05-28. Review status: criteria provided, single submitter. Criteria: ACMG Guidelines, 2015. Collection method: clinical testing. Allele origin: germline. Inheritance: Autosomal dominant inheritance.

Color Diagnostics, LLC DBA Color Health
Classification: Uncertain significance for Hereditary cancer-predisposing syndrome. Last evaluated: 2025-04-09. Review status: criteria provided, single submitter. Criteria: ACMG Guidelines, 2015. Collection method: clinical testing. Allele origin: germline.
Comment: This missense variant replaces threonine with serine at codon 282 of the BRIP1 protein. Computational prediction suggests that this variant may not impact protein structure and function. To our knowledge, functional studies have not been reported for this variant. This variant has been reported in an individual affected with breast cancer (PMID: 17033622) and in an individual affected with pancreatic cancer (PMID: 34034685). This variant has also been identified in 2/250948 chromosomes in the general population by the Genome Aggregation Database (gnomAD). The available evidence is insufficient to determine the role of this variant in disease conclusively. Therefore, this variant is classified as a Variant of Uncertain Significance.

Mayo Clinic Laboratories, Mayo Clinic
Classification: Uncertain significance. Last evaluated: 2025-01-12. Review status: criteria provided, single submitter. Criteria: ACMG Guidelines, 2015. Collection method: clinical testing. Allele origin: germline. Observed: 1 variant allele.
Comment: BP4, PM2_supporting

GeneDx
Classification: Uncertain significance. Last evaluated: 2024-01-05. Review status: criteria provided, single submitter. Criteria: GeneDx Variant Classification Process June 2021. Collection method: clinical testing. Allele origin: germline. Affected: yes.
Comment: Observed in individuals with breast, pancreatic, and colorectal cancer (PMID: 17033622, 34034685, 32658311); Not observed at significant frequency in large population cohorts (gnomAD); In silico analysis supports that this missense variant does not alter protein structure/function; This variant is associated with the following publications: (PMID: 30309722, 33471991, 32658311, 34034685, 17033622)

Quest Diagnostics Nichols Institute San Juan Capistrano
Classification: Uncertain significance. Last evaluated: 2023-05-04. Review status: criteria provided, single submitter. Criteria: Quest Diagnostics criteria. Collection method: clinical testing. Allele origin: unknown.
Comment: The frequency of this variant in the general population, 0.000008 (2/250948 chromosomes), is uninformative in assessment of its pathogenicity. In the published literature, the variant has been reported in an individual with pancreatic cancer (PMID: 34034685 (2021)). In a large-scale breast cancer association study, the variant was observed in an unaffected individual (PMID: 33471991 (2021), see also LOVD). Analysis of this variant using bioinformatics tools for the prediction of the effect of amino acid changes on protein structure and function yielded predictions that this variant is benign. Based on the available information, we are unable to determine the clinical significance of this variant.

Sema4
Classification: Uncertain significance for Hereditary cancer-predisposing syndrome. Last evaluated: 2021-11-22. Review status: criteria provided, single submitter. Criteria: Sema4 Curation Guidelines. Collection method: curation. Allele origin: germline.
Comment: The BRIP1 c.845C>G (p.T282S) variant has been reported in heterozygosity in at least 1 individual with pancreatic cancer (PMID: 34034685). This variant was observed in 2/250948 chromosomes across all populations, in the large and broad cohorts of the Genome Aggregation Database (PMID: 32461654). This variant has been reported in ClinVar (Variation ID: 128197). Functional studies have not been performed, and in silico predictions of the variant's effect on protein function are inconclusive. The evidence is insufficient to meet ACMG/AMP criteria for classifying the variant as benign or pathogenic. Thus, the clinical significance of this variant is currently uncertain.

Department of Pathology and Laboratory Medicine, Sinai Health System
Classification: Uncertain significance. Review status: no assertion criteria provided. Collection method: clinical testing. Allele origin: unknown. Affected: yes. Study: The Canadian Open Genetics Repository (COGR). Not counted in ClinVar's aggregate classification.
Comment: The BRIP1 p.Thr282Ser variant was not identified in the literature nor was it identified in the Cosmic or MutDB databases. The variant was identified in the following databases: dbSNP (ID: rs45624635) as "With Uncertain significance allele", ClinVar (3x uncertain significance), Clinvitae, and the Zhejiang Colon Cancer Database. The variant was identified in control databases in 2 of 245670 chromosomes at a frequency of 0.000008 (Genome Aggregation Database Feb 27, 2017). It was observed in the following populations: Other in 1 of 5468 chromosomes (freq: 0.0002) and European in 1 of 111210 chromosomes (freq: 0.000009), while the variant was not observed in the African, Latino, Ashkenazi Jewish, East Asian, Finnish, and South Asian populations. The p.Thr282 residue is not conserved in mammals and four out of five computational analyses (PolyPhen-2, SIFT, AlignGVGD, BLOSUM, MutationTaster) do not suggest a high likelihood of impact to the protein; however, this information is not predictive enough to rule out pathogenicity. The variant occurs outside of the splicing consensus sequence and 1 of 5 in silico or computational prediction software programs (SpliceSiteFinder, MaxEntScan, NNSPLICE, GeneSplicer, HumanSpliceFinder) predict a greater than 10% difference in splicing; this is not very predictive of pathogenicity. In summary, based on the above information the clinical significance of this variant cannot be determined with certainty at this time. This variant is classified as a variant of uncertain significance.

Literature cited by the submitters: PubMed 17033622 (cited by 5 submitters); PubMed 34034685 (cited by 7 submitters); PubMed 32658311 (cited by 3 submitters); PubMed 40704901 (cited by Women's Health and Genetics/Laboratory Corporation of America, LabCorp); PubMed 33471991 (cited by Ambry Genetics and Quest Diagnostics Nichols Institute San Juan Capistrano).

NM_032043.3(BRIP1):c.845C>G (p.Thr282Ser)

Gene: BRIP1 (BRCA1 interacting DNA helicase 1; minus strand). Cytogenetic location: 17q23.2.
Variant type: single nucleotide variant.
Coding change: c.845C>G on transcript NM_032043.3 (MANE Select); coding-DNA position 845, C replaced by G.
Protein change: p.Thr282Ser; replaces threonine 282 with serine.
Molecular consequence: missense variant.
Genome position (GRCh38, 1-based): chr17:61,808,540, G>C on the plus strand (C>G on the coding strand, the complement: BRIP1 is on the minus strand). VCF-style: chr17-61808540-G-C. GRCh37 (hg19) VCF-style: chr17-59885901-G-C.
Other names: p.T282S:ACT>AGT; short protein forms T282S.
Identifiers: ClinVar variation 128197 (VCV000128197.31), dbSNP rs45624635, ClinGen allele CA288612.
Genomic context (GRCh38, chr17:61,808,540, plus strand): 5'-AGCAATTCCATGCACTTCTCATTTCTGTTGAAGTTACCGACTACCTCAGGATGGACACAA[G>C]TATGATCCCTGCTGGAAAGAATAGTCATTGGAACCCCTGAATATGCCGTCCTCCGGAGCT-3'
Protein context (NP_114432.2, residues 272-292): PMTILSSRDH[Thr282Ser]CVHPEVVGNF